The following is an entry in ClinVar:

ClinVar aggregate classification (germline): Uncertain significance (1 of 4 stars; one submission).

Conditions:
Autosomal recessive limb-girdle muscular dystrophy type 2O. Also called: Limb-Girdle Muscular Dystrophy Type 3C; MUSCULAR DYSTROPHY-DYSTROGLYCANOPATHY (LIMB-GIRDLE), TYPE C, 3; MUSCULAR DYSTROPHY-DYSTROGLYCANOPATHY, LIMB-GIRDLE, POMGNT1-RELATED. Identifiers: Orphanet 206564, MedGen C3150417, MONDO:0013161, OMIM 613157.
Muscular dystrophy-dystroglycanopathy (congenital with impaired intellectual development), type B, 3. Also called: Muscular dystrophy-dystroglycanopathy (congenital with intellectual disability), type B3; MUSCULAR DYSTROPHY, CONGENITAL, POMGNT1-RELATED. Identifiers: MedGen C3150412, MONDO:0013155, OMIM 613151.

Submission:

Labcorp Genetics (formerly Invitae), Labcorp
Classification: Uncertain significance for Autosomal recessive limb-girdle muscular dystrophy type 2O; Muscular dystrophy-dystroglycanopathy (congenital with impaired intellectual development), type B, 3. Last evaluated: 2022-07-05. Review status: criteria provided, single submitter. Criteria: Invitae Variant Classification Sherloc (09022015). Collection method: clinical testing. Allele origin: germline.
Comment: This sequence change replaces glutamic acid, which is acidic and polar, with glutamine, which is neutral and polar, at codon 385 of the POMGNT1 protein (p.Glu385Gln). In summary, the available evidence is currently insufficient to determine the role of this variant in disease. Therefore, it has been classified as a Variant of Uncertain Significance. Algorithms developed to predict the effect of sequence changes on RNA splicing suggest that this variant may create or strengthen a splice site. Algorithms developed to predict the effect of missense changes on protein structure and function are either unavailable or do not agree on the potential impact of this missense change (SIFT: "Deleterious"; PolyPhen-2: "Benign"; Align-GVGD: "Class C0"). ClinVar contains an entry for this variant (Variation ID: 1504024). This variant has not been reported in the literature in individuals affected with POMGNT1-related conditions. This variant is not present in population databases (gnomAD no frequency).

NM_017739.4(POMGNT1):c.1153G>C (p.Glu385Gln)

Genes: POMGNT1 (protein O-linked mannose N-acetylglucosaminyltransferase 1 (beta 1,2-); minus strand), TSPAN1 (tetraspanin 1; plus strand). Cytogenetic location: 1p34.1.
Variant type: single nucleotide variant.
Coding change: c.1153G>C on transcript NM_017739.4 (MANE Select); coding-DNA position 1153, G replaced by C.
Protein change: p.Glu385Gln; replaces glutamic acid 385 with glutamine.
Molecular consequence: missense variant.
Genome position (GRCh38, 1-based): chr1:46,192,958, C>G on the plus strand (G>C on the coding strand, the complement: POMGNT1 is on the minus strand). VCF-style: chr1-46192958-C-G. GRCh37 (hg19) VCF-style: chr1-46658630-C-G.
Other names: c.1153G>C, p.Glu385Gln (NM_001243766.2, NM_001410783.1); c.1087G>C, p.Glu363Gln (NM_001290129.3); c.724G>C, p.Glu242Gln (NM_001290130.2); short protein forms E385Q, E363Q, E242Q.
Identifiers: ClinVar variation 1504024 (VCV001504024.6), dbSNP rs2148189653, ClinGen allele CA340179229.
Genomic context (GRCh38, chr1:46,192,958, plus strand): 5'-ACCTGAAAAAATCCACAGCAATGTCCAGGTCCTCTTCCAGAACCACAGCAAACTTGGCCT[C>G]CTAGAAGGGGAATGGGACATCATGGTCCCAAAGGGGTCTCTCCATCCTGTGATCTCCTTT-3'
Protein context (NP_060209.4, residues 375-395): SLTATFNLFP[Glu385Gln]AKFAVVLEED